The following is an entry in ClinVar:

ClinVar aggregate classification (germline): Pathogenic. Review status: reviewed by expert panel (3 of 4 stars). 8 submissions from 8 submitters: Pathogenic (1). 7 of the submissions do not count toward it. Last evaluated 2023-08-29.

Conditions:
CDH1-related diffuse gastric and lobular breast cancer syndrome. Also called: CDH1-related diffuse gastric and lobular breast cancer. Identifiers: MedGen CN311521, MONDO:0100488.
Hereditary cancer-predisposing syndrome. Also called: Neoplastic Syndromes, Hereditary; Tumor predisposition; Hereditary neoplastic syndrome; Hereditary Cancer Syndrome. Identifiers: Orphanet 140162, MedGen C0027672, MeSH D009386, MONDO:0015356.
Hereditary diffuse gastric adenocarcinoma (HDGC). Also called: DIFFUSE GASTRIC AND LOBULAR BREAST CANCER SYNDROME. Identifiers: Orphanet 26106, MedGen C1708349, MONDO:0007648, OMIM 137215.

Submissions (8):

Clingen Gastric Cancer Variant Curation Expert Panel
Classification: Pathogenic for CDH1-related diffuse gastric and lobular breast cancer syndrome. Last evaluated: 2023-08-29. Review status: reviewed by expert panel. Criteria: ClinGen CDH1 ACMG Specifications V3.1. Collection method: curation. Allele origin: germline. Inheritance: Autosomal dominant inheritance.
Comment: The c.3G>A (p.Met1Ile) variant causes a truncated or absent protein by altering the start codon of the coding sequence and is predicted to lead to the omission of a critical region of the protein (18726070, 2317870, 20066110) (PVS1). This variant is absent in the gnomAD cohort (PM2_Supporting). This variant was found to co-segregate with disease in multiple affected family members, with 5 or 6 meioses observed (PP1_Moderate; PMID: 28202063, 26182300). This variant has also been reported in at least 4 families meeting HDGC clinical criteria (PS4; PMID: 26182300, 20719348, clinical lab internal data). In summary, this variant meets criteria to be classified as pathogenic based on the ACMG/AMP Variant Interpretation Guidelines Version 3.1 as specified by the CDH1 Variant Curation Expert Panel: PVS1, PM2_Supporting, PP1_Moderate, PS4.

GeneDx
Classification: Pathogenic. Last evaluated: 2025-04-23. Review status: criteria provided, single submitter. Criteria: GeneDx Variant Classification Process June 2021. Collection method: clinical testing. Allele origin: germline. Affected: yes. Not counted in ClinVar's aggregate classification.
Comment: Initiation codon variant in a gene for which loss of function is a known mechanism of disease; Not observed at significant frequency in large population cohorts (gnomAD); This variant is associated with the following publications: (PMID: 20373070, 20719348, 16061854, 28202063, 36436516, 33322525, 26182300, 30745422, 34949788, 36063148, 33809393)

Ambry Genetics
Classification: Pathogenic for Hereditary cancer-predisposing syndrome. Last evaluated: 2025-04-10. Review status: criteria provided, single submitter. Criteria: Ambry Variant Classification Scheme 2023. Collection method: clinical testing. Allele origin: germline. Not counted in ClinVar's aggregate classification.
Comment: The p.M1? pathogenic mutation (also known as c.3G>A), located in coding exon 1 of the CDH1 gene, results from a G to A substitution at nucleotide position 3. This alters the methionine residue at the initiation codon (ATG). This mutation has been identified in multiple individuals with diffuse gastric cancer and/or lobular breast cancer (Pandalai PK et al. Surgery, 2011 Mar;149:347-55; Jalkh N et al. BMC Med Genomics, 2017 Feb;10:8; Hansford S et al. JAMA Oncol 2015 Apr;1(1):23-32; Ambry internal data). This variant is considered to be rare based on population cohorts in the Genome Aggregation Database (gnomAD). In addition to the clinical data presented in the literature, sequence variations that modify the initiation codon are expected to result in either loss of translation initiation, N-terminal truncation, or cause a shift in the mRNA reading frame. Based on the supporting evidence, this alteration is interpreted as a disease-causing mutation.

Institute of Immunology and Genetics Kaiserslautern
Classification: Pathogenic for Hereditary diffuse gastric adenocarcinoma. Last evaluated: 2024-10-15. Review status: criteria provided, single submitter. Criteria: ACMG Guidelines, 2015. Collection method: clinical testing. Allele origin: maternal. Affected: yes. Not counted in ClinVar's aggregate classification.
Comment: ACMG Criteria: PP1,PP5_M,PM2_P,PM5,PVS1; Variant was found in heterozygous state

Labcorp Genetics (formerly Invitae), Labcorp
Classification: Pathogenic for Hereditary diffuse gastric adenocarcinoma. Last evaluated: 2024-03-22. Review status: criteria provided, single submitter. Criteria: Invitae Variant Classification Sherloc (09022015). Collection method: clinical testing. Allele origin: germline. Not counted in ClinVar's aggregate classification.
Comment: This sequence change affects the initiator methionine of the CDH1 mRNA. The next in-frame methionine is located at codon 246. This variant is not present in population databases (gnomAD no frequency). Disruption of the initiator codon has been observed in individuals with a personal or family history of diffuse gastric cancer and/or lobular breast cancer (PMID: 16061854, 20373070, 28202063; Invitae). ClinVar contains an entry for this variant (Variation ID: 239906). For these reasons, this variant has been classified as Pathogenic.

Myriad Genetics, Inc.
Classification: Likely pathogenic for Hereditary diffuse gastric adenocarcinoma. Last evaluated: 2023-06-08. Review status: criteria provided, single submitter. Criteria: Myriad Autosomal Dominant, Autosomal Recessive and X-Linked Classification Criteria (2023). Collection method: clinical testing. Allele origin: unknown. Not counted in ClinVar's aggregate classification.
Comment: This variant is considered likely pathogenic. This variant is located within the gene translation start codon (p.Met1?) and is predicted to result in abnormal protein translation.

European Reference Network on Genetic Tumour Risk Syndromes (ERN-GENTURIS), i3s - Instituto de Investigação e Inovação em Saúde, University of Porto
Classification: Pathogenic for Hereditary diffuse gastric adenocarcinoma. Last evaluated: 2022-08-01. Review status: criteria provided, single submitter. Criteria: Lee et al. (Hum Mutat. 2018). Collection method: clinical testing. Allele origin: germline. Inheritance: Autosomal dominant inheritance. Affected: yes. Study: ERN GENTURIS. Not counted in ClinVar's aggregate classification.
Comment: PVS1; PS4_Supporting; PM2; PP1_Moderate (PMID: 30311375)

Quest Diagnostics Nichols Institute San Juan Capistrano
Classification: Pathogenic. Last evaluated: 2018-02-09. Review status: criteria provided, single submitter. Criteria: Quest Diagnostics criteria. Collection method: clinical testing. Allele origin: germline. Not counted in ClinVar's aggregate classification.

Literature cited by the submitters: PubMed 20719348 (cited by Ambry Genetics); PubMed 26182300 (cited by Ambry Genetics); PubMed 28202063 (cited by Ambry Genetics and Labcorp Genetics (formerly Invitae), Labcorp); PubMed 16061854 (cited by Labcorp Genetics (formerly Invitae), Labcorp); PubMed 20373070 (cited by Labcorp Genetics (formerly Invitae), Labcorp); PubMed 36436516 (cited by European Reference Network on Genetic Tumour Risk Syndromes (ERN-GENTURIS), i3s - Instituto de Investigação e Inovação em Saúde, University of Porto).

NM_004360.5(CDH1):c.3G>A (p.Met1Ile)

Gene: CDH1 (cadherin 1; plus strand). Cytogenetic location: 16q22.1.
Variant type: single nucleotide variant.
Coding change: c.3G>A on transcript NM_004360.5 (MANE Select); coding-DNA position 3, G replaced by A.
Protein change: p.Met1Ile; changes the start codon (methionine 1).
Molecular consequence: missense variant, initiator codon variant. On other transcripts: 5 prime UTR variant (2).
Genome position (GRCh38, 1-based): chr16:68,737,418, G>A. VCF-style: chr16-68737418-G-A. GRCh37 (hg19) VCF-style: chr16-68771321-G-A.
Other names: c.3G>A, p.Met1Ile (NM_001317184.2); c.-1613G>A (NM_001317185.2); c.-1817G>A (NM_001317186.2); short protein forms M1I.
Identifiers: ClinVar variation 239906 (VCV000239906.24), dbSNP rs878854691, ClinGen allele CA10583399.
Genomic context (GRCh38, chr16:68,737,418, plus strand): 5'-GCCCGGCCCGACCCGACCGCACCCGGCGCCTGCCCTCGCTCGGCGTCCCCGGCCAGCCAT[G>A]GGCCCTTGGAGCCGCAGCCTCTCGGCGCTGCTGCTGCTGCTGCAGGTACCCCGGATCCCC-3'
Protein context (NP_004351.1, residues 1-11): [Met1Ile]GPWSRSLSAL